The following is an entry in ClinVar:

NM_000038.6(APC):c.835G>A (p.Gly279Ser)

Gene: APC (APC regulator of Wnt signaling pathway; plus strand). Cytogenetic location: 5q22.2.
Variant type: single nucleotide variant.
Coding change: c.835G>A on transcript NM_000038.6 (MANE Select); coding-DNA position 835, G replaced by A.
Protein change: p.Gly279Ser; replaces glycine 279 with serine.
Molecular consequence: missense variant. On other transcripts: 5 prime UTR variant (1).
Genome position (GRCh38, 1-based): chr5:112,815,495, G>A. VCF-style: chr5-112815495-G-A. GRCh37 (hg19) VCF-style: chr5-112151192-G-A.
Other names: c.835G>A, p.Gly279Ser (NM_001127510.3, NM_001354895.2, NM_001354896.2 and 1 more transcripts); c.781G>A, p.Gly261Ser (NM_001127511.3); c.865G>A, p.Gly289Ser (NM_001354897.2, NM_001354902.2); c.760G>A, p.Gly254Ser (NM_001354898.2, NM_001354904.2); c.751G>A, p.Gly251Ser (NM_001354899.2); c.658G>A, p.Gly220Ser (NM_001354900.2, NM_001354901.2, NM_001354905.2); c.-15G>A (NM_001354906.2); short protein forms G254S, G279S, G289S, G251S, G220S, G261S.
Identifiers: ClinVar variation 1383121 (VCV001383121.6), dbSNP rs1554079129, ClinGen allele CA16023154.

ClinVar aggregate classification (germline): Uncertain significance (1 of 4 stars; one submission).

Conditions:
Familial adenomatous polyposis 1 (FAP1). Also called: POLYPOSIS, ADENOMATOUS INTESTINAL; FAMILIAL ADENOMATOUS POLYPOSIS 1, ATTENUATED. Identifiers: MedGen C2713442, MONDO:0021056, OMIM 175100. Disease mechanism: loss of function.

Allele frequency attached by ClinVar (database versions not stated): gnomAD exomes below 0.00001.

Submission:

Labcorp Genetics (formerly Invitae), Labcorp
Classification: Uncertain significance for Familial adenomatous polyposis 1. Last evaluated: 2025-06-22. Review status: criteria provided, single submitter. Criteria: Invitae Variant Classification Sherloc (09022015). Collection method: clinical testing. Allele origin: germline.
Comment: This sequence change replaces glycine, which is neutral and non-polar, with serine, which is neutral and polar, at codon 279 of the APC protein (p.Gly279Ser). This variant is not present in population databases (gnomAD no frequency). This variant has not been reported in the literature in individuals affected with APC-related conditions. ClinVar contains an entry for this variant (Variation ID: 1383121). An algorithm developed to predict the effect of missense changes on protein structure and function outputs the following: PolyPhen-2: "Benign". The serine amino acid residue is found in multiple mammalian species, which suggests that this missense change does not adversely affect protein function. In summary, the available evidence is currently insufficient to determine the role of this variant in disease. Therefore, it has been classified as a Variant of Uncertain Significance.